The following is an entry in ClinVar:

ClinVar aggregate classification (germline): Likely pathogenic (1 of 4 stars; one submission).

Conditions:
Polycystic kidney disease 4 (PKD4). Also called: POLYCYSTIC KIDNEY AND HEPATIC DISEASE 1; POLYCYSTIC KIDNEY DISEASE, INFANTILE, TYPE I; POLYCYSTIC KIDNEY DISEASE 4 WITH OR WITHOUT POLYCYSTIC LIVER DISEASE; PKD3; Autosomal Recessive Polycystic Kidney Disease – PKHD1. Identifiers: MedGen C4540575, MONDO:0033004, OMIM 263200.

Submission:

Myriad Genetics, Inc.
Classification: Likely pathogenic for Polycystic kidney disease 4. Last evaluated: 2021-12-30. Review status: criteria provided, single submitter. Criteria: Myriad Women's Health Autosomal Recessive and X-Linked Classification Criteria (2021). Collection method: clinical testing. Allele origin: unknown.
Comment: NM_138694.3(PKHD1):c.9540_9543delGGCAinsTTT(L3180Ffs*3) is expected to be pathogenic in the context of autosomal recessive polycystic kidney disease, PKHD1-related. This variant is predicted to lead to an abnormal or absent protein product due to the creation of a premature termination codon in PKHD1, a gene where loss-of-function variants are known to be pathogenic. Please note: this variant was assessed in the context of healthy population screening.

NM_138694.4(PKHD1):c.9540_9543delinsTTT (p.Leu3180fs)

Gene: PKHD1 (PKHD1 ciliary IPT domain containing fibrocystin/polyductin; minus strand). Cytogenetic location: 6p12.3.
Variant type: Indel.
Coding change: c.9540_9543delinsTTT on transcript NM_138694.4 (MANE Select); coding-DNA positions 9540 to 9543, GGCA replaced by TTT.
Protein change: p.Leu3180fs; shifts the reading frame from leucine 3180.
Molecular consequence: frameshift variant.
Genome position (GRCh38, 1-based): chr6:51,748,073-51,748,076, TGCC replaced by AAA on the plus strand (GGCA replaced by TTT on the coding strand, the reverse complement: PKHD1 is on the minus strand). VCF-style: chr6-51748073-TGCC-AAA. GRCh37 (hg19) VCF-style: chr6-51612871-TGCC-AAA.
Other names: c.9540_9543delinsTTT, p.Leu3180fs (NM_170724.3); short protein forms L3180fs.
Identifiers: ClinVar variation 1726663 (VCV001726663.2), dbSNP rs2533812482, ClinGen allele CA2580075436.